The following is an entry in ClinVar:

ClinVar aggregate classification (germline): Uncertain significance (1 of 4 stars; one submission).

Conditions:
Primary ciliary dyskinesia. Also called: Ciliary dyskinesia. Identifiers: Orphanet 244, MedGen C0008780, MONDO:0016575, HP:0012265.

Allele frequency attached by ClinVar (database versions not stated): gnomAD 0.00001; gnomAD exomes 0.00004.
gnomAD v4.1: 52 of 1,613,370 alleles (0.0032%); highest among the groups gnomAD compares: Non-Finnish European, 0.0042%; no homozygotes.

Submission:

Labcorp Genetics (formerly Invitae), Labcorp
Classification: Uncertain significance for Primary ciliary dyskinesia. Last evaluated: 2022-04-18. Review status: criteria provided, single submitter. Criteria: Invitae Variant Classification Sherloc (09022015). Collection method: clinical testing. Allele origin: germline.
Comment: This sequence change replaces isoleucine, which is neutral and non-polar, with leucine, which is neutral and non-polar, at codon 2419 of the DNAH8 protein (p.Ile2419Leu). This variant is present in population databases (no rsID available, gnomAD 0.005%). This variant has not been reported in the literature in individuals affected with DNAH8-related conditions. Algorithms developed to predict the effect of missense changes on protein structure and function are either unavailable or do not agree on the potential impact of this missense change (SIFT: "Tolerated"; PolyPhen-2: "Not Available"; Align-GVGD: "Class C0"). In summary, the available evidence is currently insufficient to determine the role of this variant in disease. Therefore, it has been classified as a Variant of Uncertain Significance.

NM_001206927.2(DNAH8):c.7255A>C (p.Ile2419Leu)

Gene: DNAH8 (dynein axonemal heavy chain 8; plus strand). Cytogenetic location: 6p21.2.
Variant type: single nucleotide variant.
Coding change: c.7255A>C on transcript NM_001206927.2 (MANE Select); coding-DNA position 7255, A replaced by C.
Protein change: p.Ile2419Leu; replaces isoleucine 2419 with leucine.
Molecular consequence: missense variant.
Genome position (GRCh38, 1-based): chr6:38,872,923, A>C. VCF-style: chr6-38872923-A-C. GRCh37 (hg19) VCF-style: chr6-38840699-A-C.
Other names: c.6604A>C, p.Ile2202Leu (NM_001371.4); short protein forms I2202L, I2419L.
Identifiers: ClinVar variation 2074389 (VCV002074389.1), dbSNP rs967704640, ClinGen allele CA364027641.